The following is an entry in ClinVar:

NM_015378.4(VPS13D):c.2453C>T (p.Ser818Leu)

Gene: VPS13D (vacuolar protein sorting 13 homolog D; plus strand). Cytogenetic location: 1p36.22.
Variant type: single nucleotide variant.
Coding change: c.2453C>T on transcript NM_015378.4 (MANE Select); coding-DNA position 2453, C replaced by T.
Protein change: p.Ser818Leu; replaces serine 818 with leucine.
Molecular consequence: missense variant.
Genome position (GRCh38, 1-based): chr1:12,276,041, C>T. VCF-style: chr1-12276041-C-T. GRCh37 (hg19) VCF-style: chr1-12336098-C-T.
Other names: p.Ser818Leu; c.2453C>T, p.Ser818Leu (NM_018156.4); c.2453C>T (NM_015378.2); short protein forms S818L.
Identifiers: ClinVar variation 2081815 (VCV002081815.3), dbSNP rs201820442, ClinGen allele CA601823.

ClinVar aggregate classification (germline): Uncertain significance. Review status: criteria provided, multiple submitters, no conflicts (2 of 4 stars). 3 submissions from 3 submitters: Uncertain significance (3). Last evaluated 2024-09-09.

Conditions:
Inborn genetic diseases. Identifiers: MedGen C0950123, MeSH D030342.

Allele frequency attached by ClinVar (database versions not stated): gnomAD exomes 0.00003; ExAC 0.00006; TOPMed 0.00006; gnomAD 0.00007.
gnomAD v4.1: 53 of 1,613,942 alleles (0.0033%); highest among the groups gnomAD compares: Middle Eastern, 0.066%; no homozygotes.

Submissions (3):

Mayo Clinic Laboratories, Mayo Clinic
Classification: Uncertain significance. Last evaluated: 2024-09-09. Review status: criteria provided, single submitter. Criteria: ACMG Guidelines, 2015. Collection method: clinical testing. Allele origin: germline. Observed: 1 variant allele.
Comment: BP4

Ambry Genetics
Classification: Uncertain significance for Inborn genetic diseases. Last evaluated: 2024-03-28. Review status: criteria provided, single submitter. Criteria: Ambry Variant Classification Scheme 2023. Collection method: clinical testing. Allele origin: germline.

Labcorp Genetics (formerly Invitae), Labcorp
Classification: Uncertain significance. Last evaluated: 2022-09-06. Review status: criteria provided, single submitter. Criteria: Invitae Variant Classification Sherloc (09022015). Collection method: clinical testing. Allele origin: germline.
Comment: This sequence change replaces serine, which is neutral and polar, with leucine, which is neutral and non-polar, at codon 818 of the VPS13D protein (p.Ser818Leu). This variant is present in population databases (rs201820442, gnomAD 0.009%). This variant has not been reported in the literature in individuals affected with VPS13D-related conditions. Algorithms developed to predict the effect of missense changes on protein structure and function are either unavailable or do not agree on the potential impact of this missense change (SIFT: "Tolerated"; PolyPhen-2: "Possibly Damaging"; Align-GVGD: "Class C0"). In summary, the available evidence is currently insufficient to determine the role of this variant in disease. Therefore, it has been classified as a Variant of Uncertain Significance.